The following is an entry in ClinVar:

NM_000540.3(RYR1):c.8749G>C (p.Ala2917Pro)

Gene: RYR1 (ryanodine receptor 1; plus strand). Cytogenetic location: 19q13.2.
Variant type: single nucleotide variant.
Coding change: c.8749G>C on transcript NM_000540.3 (MANE Select); coding-DNA position 8749, G replaced by C.
Protein change: p.Ala2917Pro; replaces alanine 2917 with proline.
Molecular consequence: missense variant.
Genome position (GRCh38, 1-based): chr19:38,506,885, G>C. VCF-style: chr19-38506885-G-C. GRCh37 (hg19) VCF-style: chr19-38997525-G-C.
Other names: c.8749G>C, p.Ala2917Pro (NM_001042723.2); short protein forms A2917P.
Identifiers: ClinVar variation 3385483 (VCV003385483.1).

ClinVar aggregate classification (germline): Uncertain significance (1 of 4 stars; one submission).

Conditions:
Malignant hyperthermia, susceptibility to, 1 (MHS1). Also called: Anesthesia related hyperthermia; Malignant hyperpyrexia; Fulminating hyperpyrexia; Pharmacogenic myopathy; Malignant hyperthermia suceptibility 1; RYR1-Related Malignant Hyperthermia Susceptibility. Identifiers: Orphanet 423, MedGen C2930980, MONDO:0007783, OMIM 145600.

Submission:

All of Us Research Program, National Institutes of Health
Classification: Uncertain significance for Malignant hyperthermia, susceptibility to, 1. Last evaluated: 2024-05-14. Review status: criteria provided, single submitter. Criteria: ACMG Guidelines, 2015. Collection method: clinical testing. Allele origin: germline. Inheritance: Autosomal dominant inheritance. Observed: 1 variant allele, 1 heterozygote.
Comment: This missense variant replaces alanine with proline at codon 2917 of the RYR1 protein. Computational prediction is inconclusive regarding the impact of this variant on protein structure and function. To our knowledge, functional studies have not been reported for this variant. This variant has not been reported in individuals affected with RYR1-related disorders in the literature. This variant has not been identified in the general population by the Genome Aggregation Database (gnomAD). The available evidence is insufficient to determine the role of this variant in disease conclusively. Therefore, this variant is classified as a Variant of Uncertain Significance.

This study involves interpretation of variants in research participants for the purpose of population health screening. Participant phenotype was not available at the time of variant classification. Additional details can be found in publication PMID: 35346344, PMCID: PMC8962531